The following is an entry in ClinVar:

ClinVar aggregate classification (germline): Pathogenic. Review status: reviewed by expert panel (3 of 4 stars). 18 submissions from 18 submitters: Pathogenic (1). 17 of the submissions do not count toward it. Last evaluated 2025-10-06.

Conditions:
Autosomal recessive DYSF-related disorders.
DYSF-related disorder. Also called: DYSF-related condition; DYSF-related disorders.
Neuromuscular disease caused by qualitative or quantitative defects of dysferlin. Also called: Dysferlinopathy; Qualitative or quantitative defects of dysferlin. Identifiers: Orphanet 207073, MedGen C2931687, MONDO:0016145.
Autosomal recessive limb-girdle muscular dystrophy. Identifiers: Orphanet 102015, MedGen C2931907, MONDO:0015152.
Distal myopathy with anterior tibial onset. Identifiers: Orphanet 178400, MedGen C1847532, MONDO:0011721, OMIM 606768.
Miyoshi muscular dystrophy 1 (MMD1). Identifiers: Orphanet 45448, MedGen C4551973, MONDO:0024545, OMIM 254130.
Autosomal recessive limb-girdle muscular dystrophy type 2B (LGMDR2). Also called: Limb-Girdle Muscular Dystrophy Type 2B (LGMD2B); MUSCULAR DYSTROPHY, LIMB-GIRDLE, AUTOSOMAL RECESSIVE 2; Limb-girdle muscular dystrophy, type 2B; MUSCULAR DYSTROPHY, LIMB-GIRDLE, TYPE 3. Identifiers: Orphanet 268, MedGen C1850889, MONDO:0009676, OMIM 253601.

Allele frequency attached by ClinVar (database versions not stated): gnomAD exomes 0.00004; gnomAD 0.00002; ExAC 0.00008; TOPMed 0.00003.
gnomAD v4.1: 57 of 1,613,974 alleles (0.0035%); highest among the groups gnomAD compares: Non-Finnish European, 0.0042%; no homozygotes.

Submissions 1 to 9 of 18:

ClinGen Limb Girdle Muscular Dystrophy Variant Curation Expert Panel, ClinGen
Classification: Pathogenic for Autosomal recessive limb-girdle muscular dystrophy. Last evaluated: 2025-10-06. Review status: reviewed by expert panel. Criteria: ClinGen LGMD VCEP ACMG Specifications DYSF V2.0.0. Collection method: curation. Allele origin: germline. Inheritance: Autosomal recessive inheritance.
Comment: The NM_003494.4: c.2875C>T variant in DYSF, which is also known as NM_001130987.2: c.2929C>T p.(Arg977Trp), is a missense variant predicted to cause substitution of arginine by tryptophan at amino acid 959, p.(Arg959Trp). This variant has been reported in at least ten patients with dysferlinopathy (PMID: 14678801, 19528035, 21522182, 27602406, 33715265, 36983702), including in a homozygous state in four unrelated individuals without reported familial consanguinity (1 pt; PMID: 21522182, 27602406, 33715265), confirmed in trans with a pathogenic variant in two affected siblings (NM_003494.4: c.4003G>A p.(Glu1335Lys), 1.0 pt, PMID: 14678801), and in unconfirmed phase with a pathogenic variant in one case (NM_003494.4: c.3517dup p.(Ser1173PhefsTer2), 0.5 pts, PMID: 19528035) (PM3_Strong). At least one of the patients with this variant displayed progressive muscle weakness and absent or reduced dysferlin expression in muscle biopsy or monocytes, which is highly specific for DYSF-related LGMD (PMID: 14678801, 21522182, 27602406, 36983702) (PP4_Strong). This variant was also shown to co-segregate with autosomal recessive LGMD in one affected family member (PMID: 14678801; PP1). The upper bound of the 95% confidence interval of the Grpmax variant allele frequency in gnomAD v4.1.0 is 0.000052686 (49/1180020 European (non-Finnish) chromosomes), which is less than the ClinGen LGMD VCEP threshold (≤0.0001) (PM2_Supporting). Immunofluorescence and 2-A assays of dysferlin membrane localization in HEK293T cells showed the Arg959Trp protein did not reach the cell membrane, indicating an impact on protein function (PMID: 35028538) (PS3_Moderate). In addition, the computational predictor REVEL gives a score of 0.77, which is above the LGMD VCEP threshold of ≥0.70, evidence that correlates with impact to DYSF function (PP3). In summary, this variant meets the criteria to be classified as Pathogenic for autosomal recessive limb girdle muscular dystrophy based on the ACMG/AMP criteria applied, as specified by the ClinGen LGMD VCEP (LGMD VCEP specifications version 2.0.0; 10/06/2025): PM3_Strong, PP4_Strong, PP1, PS3_Moderate, PM2_Supporting, PP3.

Labcorp Genetics (formerly Invitae), Labcorp
Classification: Pathogenic for Neuromuscular disease caused by qualitative or quantitative defects of dysferlin. Last evaluated: 2025-12-01. Review status: criteria provided, single submitter. Criteria: Invitae Variant Classification Sherloc (09022015). Collection method: clinical testing. Allele origin: germline. Not counted in ClinVar's aggregate classification.
Comment: This sequence change replaces arginine, which is basic and polar, with tryptophan, which is neutral and slightly polar, at codon 959 of the DYSF protein (p.Arg959Trp). This variant is present in population databases (rs202218890, gnomAD 0.006%). This missense change has been observed in individual(s) with limb-girdle muscular dystrophy and Myoshi myopathy (PMID: 14678801, 16934466, 17070050, 19528035, 21522182, 22194990). It has also been observed to segregate with disease in related individuals. ClinVar contains an entry for this variant (Variation ID: 284254). Invitae Evidence Modeling of protein sequence and biophysical properties (such as structural, functional, and spatial information, amino acid conservation, physicochemical variation, residue mobility, and thermodynamic stability) indicates that this missense variant is expected to disrupt DYSF protein function with a positive predictive value of 80%. For these reasons, this variant has been classified as Pathogenic.

Variantyx, Inc.
Classification: Pathogenic for Autosomal recessive DYSF-related disorders. Last evaluated: 2025-10-31. Review status: criteria provided, single submitter. Criteria: Variantyx Assertion Criteria 2022. Collection method: clinical testing. Allele origin: germline. Inheritance: Autosomal recessive inheritance. Affected: no. Not counted in ClinVar's aggregate classification.
Comment: This is a nonsynonymous variant in the DYSF gene (OMIM: 603009). Pathogenic variants in this gene have been associated with autosomal recessive DYSF-related disorders. This variant has been identified in the homozygous or compound heterozygous state in at least 10 individuals reported in the published literature (PMID: 16934466, 17070050, 19528035, 22194990, 37188302, 30028523, 28877744, 22057634, 16100712, 31517061) (PM3_Strong, and it has been observed to segregate with disease in at least 6 individuals from two families (PMID: 17070050, 16100712) (PP1_Moderate). Functional studies have shown that this variant alters DYSF protein function (PMID: 14678801) (PS3_Moderate), and multiple computational algorithms predict a deleterious effect for this variant (REVEL score: 0.773) (PP3). Moreover, an alternate amino acid change at this position (p.Arg977Gln) has been previously reported in similarly affected individuals, which suggests that this residue is biologically important (PMID:14678801,16934466, 17070050) (PM5). This variant has a 0.0042% maximum allele frequency in non-founder control populations (PM2). Based on the current evidence, this variant is classified as pathogenic for autosomal recessive DYSF-related disorders.No other variant of clinical significance was identified in the DYSF gene.

Natera, Inc.
Classification: Pathogenic for Limb-girdle muscular dystrophy type 2B. Last evaluated: 2025-10-21. Review status: criteria provided, single submitter. Criteria: Natera Variant Classification Schema (03/2026). Collection method: clinical testing. Allele origin: germline. Not counted in ClinVar's aggregate classification.
Comment: The c.2875C>T variant in DYSF is a missense variant predicted to cause substitution of arginine to tryptophan at amino acid 959. This variant is rare in the general population with a frequency below the threshold expected for the associated phenotype(s). This variant has been observed in one or more individuals affected with the associated recessive disease, as either homozygous or compound heterozygous with a second variant (PMID: 16100712). Additionally, this variant has been observed to segregate in affected family members (PMID: 16100712). Given the available evidence, this variant is classified as Pathogenic.

Blueprint Genetics
Classification: Pathogenic for DYSF-related disorders. Last evaluated: 2024-11-26. Review status: criteria provided, single submitter. Criteria: ACMG Guidelines, 2015. Collection method: clinical testing. Allele origin: germline. Affected: yes. Observed: 5 variant alleles. Not counted in ClinVar's aggregate classification.

Fulgent Genetics
Classification: Pathogenic for Autosomal recessive limb-girdle muscular dystrophy type 2B; Miyoshi muscular dystrophy 1; Distal myopathy with anterior tibial onset. Last evaluated: 2024-06-05. Review status: criteria provided, single submitter. Criteria: ACMG Guidelines, 2015. Collection method: clinical testing. Allele origin: germline. Not counted in ClinVar's aggregate classification.

Genomic Medicine Center of Excellence, King Faisal Specialist Hospital and Research Centre
Classification: Likely pathogenic for Autosomal recessive limb-girdle muscular dystrophy type 2B. Last evaluated: 2024-03-25. Review status: criteria provided, single submitter. Criteria: ACMG Guidelines, 2015. Collection method: clinical testing. Allele origin: germline. Not counted in ClinVar's aggregate classification.

Baylor Genetics
Classification: Pathogenic for Miyoshi muscular dystrophy 1. Last evaluated: 2024-03-20. Review status: criteria provided, single submitter. Criteria: ACMG Guidelines, 2015. Collection method: clinical testing. Allele origin: unknown. Not counted in ClinVar's aggregate classification.

PreventionGenetics, part of Exact Sciences
Classification: Pathogenic for DYSF-related condition. Last evaluated: 2023-10-03. Review status: criteria provided, single submitter. Criteria: ACMG Guidelines, 2015. Collection method: clinical testing. Allele origin: germline. Not counted in ClinVar's aggregate classification.
Comment: The DYSF c.2875C>T variant is predicted to result in the amino acid substitution p.Arg959Trp. This variant has been repeatedly reported in individuals with autosomal recessive dysferlinopathy; immunohistochemistry assays for these patients have demonstrated severely reduced to an absence of dysferlin protein expression (see Cagliani et al. 2003. PubMed ID: 14678801; Klinge et al. 2009. PubMed ID: 19528035; Gallardo et al. 2011. PubMed ID: 22194990; Arrigoni et al. 2018. PubMed ID: 30028523; Fanin et al. 2006. PubMed ID: 16934466; Guglieri et al. 2008. PubMed ID: 17994539; De Luna et al. 2006. PubMed ID: 17070050). This variant is reported in 0.0070% of alleles in individuals of European (non-Finnish) descent in gnomAD. Taken together, this variant is interpreted as pathogenic.

NM_001130987.2(DYSF):c.2929C>T (p.Arg977Trp)

Gene: DYSF (dysferlin; plus strand). Cytogenetic location: 2p13.2.
Variant type: single nucleotide variant.
Coding change: c.2929C>T on transcript NM_001130987.2 (MANE Select); coding-DNA position 2929, C replaced by T.
Protein change: p.Arg977Trp; replaces arginine 977 with tryptophan.
Molecular consequence: missense variant.
Genome position (GRCh38, 1-based): chr2:71,569,884, C>T. VCF-style: chr2-71569884-C-T. GRCh37 (hg19) VCF-style: chr2-71797014-C-T.
Other names: NM_001130987.2(DYSF):c.2929C>T; p.Arg977Trp; c.2878C>T, p.Arg960Trp (NM_001130455.2, NM_001130983.2); c.2833C>T, p.Arg945Trp (NM_001130976.2, NM_001130977.2); c.2875C>T, p.Arg959Trp (NM_001130978.2, NM_003494.4); c.2968C>T, p.Arg990Trp (NM_001130979.2); c.2926C>T, p.Arg976Trp (NM_001130980.2, NM_001130981.2); c.2971C>T, p.Arg991Trp (NM_001130982.2); and 3 more; short protein forms R959W, R977W, R976W, R990W, R946W, R945W, R960W, R991W.
Identifiers: ClinVar variation 284254 (VCV000284254.74), dbSNP rs202218890, ClinGen allele CA1706331.